The following is an entry in ClinVar:

NM_152564.5(VPS13B):c.7454T>C (p.Phe2485Ser)

Gene: VPS13B (vacuolar protein sorting 13 homolog B; plus strand). Cytogenetic location: 8q22.2.
Variant type: single nucleotide variant.
Coding change: c.7454T>C on transcript NM_152564.5 (MANE Select); coding-DNA position 7454, T replaced by C.
Protein change: p.Phe2485Ser; replaces phenylalanine 2485 with serine.
Molecular consequence: missense variant.
Genome position (GRCh38, 1-based): chr8:99,778,706, T>C. VCF-style: chr8-99778706-T-C. GRCh37 (hg19) VCF-style: chr8-100790934-T-C.
Other names: c.7529T>C, p.Phe2510Ser (NM_017890.5); short protein forms F2485S, F2510S.
Identifiers: ClinVar variation 1433259 (VCV001433259.3), dbSNP rs779696637, ClinGen allele CA4824233.

ClinVar aggregate classification (germline): Uncertain significance (1 of 4 stars; one submission).

Conditions:
Cohen syndrome (COH1). Also called: PEPPER SYNDROME; Cutis verticis gyrata, retinitis pigmentosa, and sensorineural deafness. Identifiers: Orphanet 193, MedGen C0265223, MONDO:0008999, OMIM 216550.

Allele frequency attached by ClinVar (database versions not stated): ExAC 0.00001; gnomAD exomes 0.00001.
gnomAD v4.1: 4 of 1,613,948 alleles (0.00025%); highest among the groups gnomAD compares: Admixed American, 0.0067%; no homozygotes.

Submission:

Labcorp Genetics (formerly Invitae), Labcorp
Classification: Uncertain significance for Cohen syndrome. Last evaluated: 2021-11-01. Review status: criteria provided, single submitter. Criteria: Invitae Variant Classification Sherloc (09022015). Collection method: clinical testing. Allele origin: germline.
Comment: This sequence change replaces phenylalanine, which is neutral and non-polar, with serine, which is neutral and polar, at codon 2510 of the VPS13B protein (p.Phe2510Ser). This variant is present in population databases (rs779696637, gnomAD 0.01%). This variant has not been reported in the literature in individuals affected with VPS13B-related conditions. Algorithms developed to predict the effect of missense changes on protein structure and function are either unavailable or do not agree on the potential impact of this missense change (SIFT: "Not Available"; PolyPhen-2: "Benign"; Align-GVGD: "Not Available"). In summary, the available evidence is currently insufficient to determine the role of this variant in disease. Therefore, it has been classified as a Variant of Uncertain Significance.